The following is an entry in ClinVar:

NM_000053.4(ATP7B):c.1282T>G (p.Ser428Ala)

Gene: ATP7B (ATPase copper transporting beta; minus strand). Cytogenetic location: 13q14.3.
Variant type: single nucleotide variant.
Coding change: c.1282T>G on transcript NM_000053.4 (MANE Select); coding-DNA position 1282, T replaced by G.
Protein change: p.Ser428Ala; replaces serine 428 with alanine.
Molecular consequence: missense variant.
Genome position (GRCh38, 1-based): chr13:51,973,938, A>C on the plus strand (T>G on the coding strand, the complement: ATP7B is on the minus strand). VCF-style: chr13-51973938-A-C. GRCh37 (hg19) VCF-style: chr13-52548074-A-C.
Other names: c.1282T>G, p.Ser428Ala (NM_001005918.3, NM_001330578.2, NM_001330579.2); c.949T>G, p.Ser317Ala (NM_001243182.2); short protein forms S428A, S317A.
Identifiers: ClinVar variation 857890 (VCV000857890.9), dbSNP rs1951967393, ClinGen allele CA388037928.

ClinVar aggregate classification (germline): Uncertain significance (1 of 4 stars; one submission).

Conditions:
Wilson disease (WND). Also called: Wilson's disease. Identifiers: Orphanet 905, MedGen C0019202, MONDO:0010200, OMIM 277900. Disease mechanism: loss of function.

Submission:

Labcorp Genetics (formerly Invitae), Labcorp
Classification: Uncertain significance for Wilson disease. Last evaluated: 2020-02-24. Review status: criteria provided, single submitter. Criteria: Invitae Variant Classification Sherloc (09022015). Collection method: clinical testing. Allele origin: germline.
Comment: In summary, the available evidence is currently insufficient to determine the role of this variant in disease. Therefore, it has been classified as a Variant of Uncertain Significance. Algorithms developed to predict the effect of missense changes on protein structure and function output the following: SIFT: "Tolerated"; PolyPhen-2: "Benign"; Align-GVGD: "Class C0". The alanine amino acid residue is found in multiple mammalian species, suggesting that this missense change does not adversely affect protein function. These predictions have not been confirmed by published functional studies and their clinical significance is uncertain. This variant has not been reported in the literature in individuals with ATP7B-related conditions. This variant is not present in population databases (ExAC no frequency). This sequence change replaces serine with alanine at codon 428 of the ATP7B protein (p.Ser428Ala). The serine residue is weakly conserved and there is a moderate physicochemical difference between serine and alanine.